The following is an entry in ClinVar:

NC_000012.11:g.(?_58144433)_(58145506_?)dup

Genes: CDK4 (cyclin dependent kinase 4; minus strand), LOC130008148 (ATAC-STARR-seq lymphoblastoid silent region 4588; plus strand). Cytogenetic location: 12q14.1.
Variant type: Duplication.
Identifiers: ClinVar variation 584024 (VCV000584024.1).

ClinVar aggregate classification (germline): Uncertain significance (1 of 4 stars; one submission).

Conditions:
Familial melanoma. Also called: Hereditary melanoma; Hereditary cutaneous melanoma. Identifiers: Orphanet 618, MedGen C1512419, MONDO:0018961.

Submission:

Labcorp Genetics (formerly Invitae), Labcorp
Classification: Uncertain significance for Hereditary cutaneous melanoma. Last evaluated: 2018-04-03. Review status: criteria provided, single submitter. Criteria: Invitae Variant Classification Sherloc (09022015). Collection method: clinical testing. Allele origin: germline.
Comment: This variant results in a copy number gain of the genomic region encompassing exons 2-5 of the CDK4 gene. The 5' end of this event is unknown as it extends beyond the assayed region for this gene and therefore may encompass additional genes. The 3' boundary is likely confined to intron 5 of the CDK4 gene. As the precise location of this event is unknown, it may be in tandem or it may be located elsewhere in the genome. Similar duplications have not been reported in the literature in individuals with CDK4-related disease. In summary, the available evidence is currently insufficient to determine the role of this variant in disease. Therefore, it has been classified as a Variant of Uncertain Significance.